The following is an entry in ClinVar:

ClinVar aggregate classification (germline): Likely benign (1 of 4 stars; one submission).

Allele frequency attached by ClinVar (database versions not stated): ExAC 0.00001; gnomAD 0.00003; TOPMed 0.00004; ESP Exome Variant Server 0.00008.
gnomAD v4.1: 131 of 1,613,254 alleles (0.0081%); highest among the groups gnomAD compares: Non-Finnish European, 0.011%; no homozygotes.

Submission:

CeGaT Center for Human Genetics Tuebingen
Classification: Likely benign. Last evaluated: 2023-03-01. Review status: criteria provided, single submitter. Criteria: CeGaT Center For Human Genetics Tuebingen Variant Classification Criteria Version 2. Collection method: clinical testing. Allele origin: germline. Affected: yes. Observed: 1 variant allele.
Comment: FOXP2: BS2

NM_014491.4(FOXP2):c.1246C>A (p.Pro416Thr)

Gene: FOXP2 (forkhead box P2; plus strand). Cytogenetic location: 7q31.1.
Variant type: single nucleotide variant.
Coding change: c.1246C>A on transcript NM_014491.4 (MANE Select); coding-DNA position 1246, C replaced by A.
Protein change: p.Pro416Thr; replaces proline 416 with threonine.
Molecular consequence: missense variant. On other transcripts: non-coding transcript variant (2).
Genome position (GRCh38, 1-based): chr7:114,653,989, C>A. VCF-style: chr7-114653989-C-A. GRCh37 (hg19) VCF-style: chr7-114294044-C-A.
Other names: c.1243C>A, p.Pro415Thr (NM_001172766.3); c.1321C>A, p.Pro441Thr (NM_001172767.2, NM_148898.4); c.-104C>A (NM_001172777.1); c.1246C>A, p.Pro416Thr (NM_148899.3); c.1297C>A, p.Pro433Thr (NM_148900.4); short protein forms P415T, P416T, P433T, P441T.
Identifiers: ClinVar variation 2499054 (VCV002499054.28), dbSNP rs369313543, ClinGen allele CA4446036.